The following is an entry in ClinVar:

NM_001903.5(CTNNA1):c.-2-5T>C

Gene: CTNNA1 (catenin alpha 1; plus strand). Cytogenetic location: 5q31.2.
Variant type: single nucleotide variant.
Coding change: c.-2-5T>C on transcript NM_001903.5 (MANE Select); 5 bases into the intron before 2 bases upstream of the start codon, T replaced by C.
Molecular consequence: intron variant.
Genome position (GRCh38, 1-based): chr5:138,781,918, T>C. VCF-style: chr5-138781918-T-C. GRCh37 (hg19) VCF-style: chr5-138117607-T-C.
Other names: c.-2-5T>C (NM_001903.2, NM_001323982.2, NM_001323984.2 and 4 more transcripts); c.-208-5T>C (NM_001290310.3); c.-115-5T>C (NM_001290309.3).
Identifiers: ClinVar variation 3773186 (VCV003773186.3).

ClinVar aggregate classification (germline): Conflicting classifications of pathogenicity. Review status: criteria provided, conflicting classifications (1 of 4 stars). 3 submissions from 3 submitters: Uncertain significance (1); Likely benign (2). Last evaluated 2025-03-11.

Conditions:
Hereditary cancer-predisposing syndrome. Also called: Tumor predisposition; Hereditary Cancer Syndrome; Hereditary neoplastic syndrome; Neoplastic Syndromes, Hereditary. Identifiers: Orphanet 140162, MedGen C0027672, MeSH D009386, MONDO:0015356.
Hereditary diffuse gastric adenocarcinoma (HDGC). Also called: DIFFUSE GASTRIC AND LOBULAR BREAST CANCER SYNDROME. Identifiers: Orphanet 26106, MedGen C1708349, MONDO:0007648, OMIM 137215.

gnomAD v4.1: 40 of 1,574,078 alleles (0.0025%); highest among the groups gnomAD compares: Middle Eastern, 0.05%; no homozygotes.

Submissions (3):

Ambry Genetics
Classification: Likely benign for Hereditary cancer-predisposing syndrome. Last evaluated: 2025-03-11. Review status: criteria provided, single submitter. Criteria: Ambry Variant Classification Scheme 2023. Collection method: clinical testing. Allele origin: germline.

Myriad Genetics, Inc.
Classification: Likely benign for Hereditary diffuse gastric adenocarcinoma. Last evaluated: 2024-10-09. Review status: criteria provided, single submitter. Criteria: Myriad Autosomal Dominant, Autosomal Recessive and X-Linked Classification Criteria (2023). Collection method: clinical testing. Allele origin: unknown.
Comment: This variant is considered likely benign. This variant is intronic and is not expected to impact mRNA splicing.

Blueprint Genetics
Classification: Uncertain significance. Last evaluated: 2024-09-05. Review status: criteria provided, single submitter. Criteria: ACMG Guidelines, 2015. Collection method: clinical testing. Allele origin: germline.